The following is an entry in ClinVar:

ClinVar aggregate classification (germline): Likely benign (0 of 4 stars; one submission).

Conditions:
DENND4B-related disorder. Also called: DENND4B-related condition.

Allele frequency attached by ClinVar (database versions not stated): gnomAD exomes below 0.00001; gnomAD 0.00001.

Submission:

PreventionGenetics, part of Exact Sciences
Classification: Likely benign for DENND4B-related condition. Last evaluated: 2023-07-13. Review status: no assertion criteria provided. Collection method: clinical testing. Allele origin: germline.
Comment: This variant is classified as likely benign based on ACMG/AMP sequence variant interpretation guidelines (Richards et al. 2015 PMID: 25741868, with internal and published modifications).

NM_014856.3(DENND4B):c.1905G>A (p.Glu635=)

Gene: DENND4B (DENN domain containing 4B; minus strand). Cytogenetic location: 1q21.3.
Variant type: single nucleotide variant.
Coding change: c.1905G>A on transcript NM_014856.3 (MANE Select); coding-DNA position 1905, G replaced by A.
Protein change: p.Glu635=; no amino-acid change (glutamic acid 635 retained).
Molecular consequence: synonymous variant.
Genome position (GRCh38, 1-based): chr1:153,938,960, C>T on the plus strand (G>A on the coding strand, the complement: DENND4B is on the minus strand). VCF-style: chr1-153938960-C-T. GRCh37 (hg19) VCF-style: chr1-153911436-C-T.
Other names: c.1938G>A, p.Glu646= (NM_001367466.1).
Identifiers: ClinVar variation 3051109 (VCV003051109.2), dbSNP rs1385029219, ClinGen allele CA420839024.